The following is an entry in ClinVar:

ClinVar aggregate classification (germline): Likely benign (1 of 4 stars; one submission).

Conditions:
MYH1-related disorder. Also called: MYH1-related condition.

Submission:

PreventionGenetics, part of Exact Sciences
Classification: Likely benign for MYH1-related condition. Last evaluated: 2026-07-31. Review status: criteria provided, single submitter. Criteria: ACMG Guidelines, 2015. Collection method: clinical testing. Allele origin: germline.
Comment: This variant is classified as likely benign based on ACMG/AMP sequence variant interpretation guidelines (Richards et al. 2015 PMID: 25741868, with internal and published modifications).

NM_005963.4(MYH1):c.327C>T (p.Arg109=)

Genes: MYH1 (myosin heavy chain 1; minus strand), MYHAS (myosin heavy chain gene cluster antisense RNA; plus strand). Cytogenetic location: 17p13.1.
Variant type: single nucleotide variant.
Coding change: c.327C>T on transcript NM_005963.4 (MANE Select); coding-DNA position 327, C replaced by T.
Protein change: p.Arg109=; no amino-acid change (arginine 109 retained).
Molecular consequence: synonymous variant.
Genome position (GRCh38, 1-based): chr17:10,516,220, G>A on the plus strand (C>T on the coding strand, the complement: MYH1 is on the minus strand). VCF-style: chr17-10516220-G-A. GRCh37 (hg19) VCF-style: chr17-10419537-G-A.
Identifiers: ClinVar variation 4989859 (VCV004989859.1).